The following is an entry in ClinVar:

NM_002241.5(KCNJ10):c.775G>A (p.Val259Ile)

Gene: KCNJ10 (potassium inwardly rectifying channel subfamily J member 10; minus strand). Cytogenetic location: 1q23.2.
Variant type: single nucleotide variant.
Coding change: c.775G>A on transcript NM_002241.5 (MANE Select); coding-DNA position 775, G replaced by A.
Protein change: p.Val259Ile; replaces valine 259 with isoleucine.
Molecular consequence: missense variant.
Genome position (GRCh38, 1-based): chr1:160,041,758, C>T on the plus strand (G>A on the coding strand, the complement: KCNJ10 is on the minus strand). VCF-style: chr1-160041758-C-T. GRCh37 (hg19) VCF-style: chr1-160011548-C-T.
Other names: short protein forms V259I.
Identifiers: ClinVar variation 4689975 (VCV004689975.1).

ClinVar aggregate classification (germline): Uncertain significance (1 of 4 stars; one submission).

Submission:

GeneDx
Classification: Uncertain significance. Last evaluated: 2025-07-27. Review status: criteria provided, single submitter. Criteria: GeneDx Variant Classification Process June 2021. Collection method: clinical testing. Allele origin: germline. Affected: yes.
Comment: Not observed at significant frequency in large population cohorts (gnomAD); In silico analysis suggests that this missense variant does not alter protein structure/function; Has not been previously published as pathogenic or benign to our knowledge